The following is an entry in ClinVar:

NM_001694.4(ATP6V0C):c.70del (p.Val24fs)

Gene: ATP6V0C (ATPase H+ transporting V0 subunit c; plus strand). Cytogenetic location: 16p13.3.
Variant type: Deletion.
Coding change: c.70del on transcript NM_001694.4 (MANE Select); coding-DNA position 70, one base deleted (G; older notation c.70delG).
Protein change: p.Val24fs; shifts the reading frame from valine 24.
Molecular consequence: frameshift variant.
Genome position (GRCh38, 1-based): chr16:2,514,173, G deleted; the last of 2 consecutive G bases (chr16:2,514,172-2,514,173); deleting either gives the same sequence. VCF-style (leftmost placement, unchanged base first): chr16-2514171-TG-T. GRCh37 (hg19) VCF-style: chr16-2564172-TG-T.
Other names: c.70del, p.Val24fs (NM_001198569.2); short protein forms V24fs.
Identifiers: ClinVar variation 4291797 (VCV004291797.1).
Genomic context (GRCh38, chr16:2,514,171, plus strand): 5'-AGTCCAAGAGCGGCCCCGAGTATGCTTCGTTTTTCGCCGTCATGGGCGCCTCGGCCGCCA[TG>T]GTCTTCAGCGGTGAGCGCGGCGGCGGGAGGGACTCGGGGGCGGGGGCGCGCGCGTTGCTC-3'

ClinVar aggregate classification (germline): Likely pathogenic (1 of 4 stars; one submission).

Conditions:
Epilepsy, early-onset, 3, with or without developmental delay (EPEO3). Identifiers: MedGen C5882674, MONDO:0958196, OMIM 620465.

Submission:

3billion
Classification: Likely pathogenic for Epilepsy, early-onset, 3, with or without developmental delay. Last evaluated: 2024-12-16. Review status: criteria provided, single submitter. Criteria: ACMG Guidelines, 2015. Collection method: clinical testing. Allele origin: germline. Affected: yes.
Comment: The variant is not observed in the gnomAD v4.1.0 dataset. Predicted Consequence/Location: Frameshift: predicted to result in a loss or disruption of normal protein function through nonsense-mediated decay (NMD) or protein truncation. Multiple pathogenic variants are reported downstream of the variant. Therefore, this variant is classified as Likely pathogenic according to the recommendation of ACMG/AMP guideline.